The following is an entry in ClinVar:

ClinVar aggregate classification (germline): Uncertain significance. Review status: criteria provided, multiple submitters, no conflicts (2 of 4 stars). 2 submissions from 2 submitters: Uncertain significance (2). Last evaluated 2024-01-19.

Conditions:
Hereditary cancer-predisposing syndrome. Also called: Hereditary Cancer Syndrome; Tumor predisposition; Hereditary neoplastic syndrome; Neoplastic Syndromes, Hereditary. Identifiers: Orphanet 140162, MedGen C0027672, MeSH D009386, MONDO:0015356.
Cardiovascular phenotype. Identifiers: MedGen CN230736.

Submissions (2):

Ambry Genetics
Classification: Uncertain significance for Cardiovascular phenotype; Hereditary cancer-predisposing syndrome. Last evaluated: 2024-01-19. Review status: criteria provided, single submitter. Criteria: Ambry Variant Classification Scheme 2023. Collection method: clinical testing. Allele origin: germline.
Comment: The p.E168K variant (also known as c.502G>A), located in coding exon 5 of the LZTR1 gene, results from a G to A substitution at nucleotide position 502. The glutamic acid at codon 168 is replaced by lysine, an amino acid with similar properties. This amino acid position is conserved. In addition, the in silico prediction for this alteration is inconclusive. Based on the available evidence, the clinical significance of this alteration remains unclear.

Labcorp Genetics (formerly Invitae), Labcorp
Classification: Uncertain significance. Last evaluated: 2023-12-13. Review status: criteria provided, single submitter. Criteria: Invitae Variant Classification Sherloc (09022015). Collection method: clinical testing. Allele origin: germline.
Comment: This sequence change replaces glutamic acid, which is acidic and polar, with lysine, which is basic and polar, at codon 168 of the LZTR1 protein (p.Glu168Lys). This variant is not present in population databases (gnomAD no frequency). This variant has not been reported in the literature in individuals affected with LZTR1-related conditions. Advanced modeling of protein sequence and biophysical properties (such as structural, functional, and spatial information, amino acid conservation, physicochemical variation, residue mobility, and thermodynamic stability) performed at Invitae indicates that this missense variant is not expected to disrupt LZTR1 protein function with a negative predictive value of 80%. In summary, the available evidence is currently insufficient to determine the role of this variant in disease. Therefore, it has been classified as a Variant of Uncertain Significance.

NM_006767.4(LZTR1):c.502G>A (p.Glu168Lys)

Gene: LZTR1 (leucine zipper like post translational regulator 1; plus strand). Cytogenetic location: 22q11.21.
Variant type: single nucleotide variant.
Coding change: c.502G>A on transcript NM_006767.4 (MANE Select); coding-DNA position 502, G replaced by A.
Protein change: p.Glu168Lys; replaces glutamic acid 168 with lysine.
Molecular consequence: missense variant.
Genome position (GRCh38, 1-based): chr22:20,988,111, G>A. VCF-style: chr22-20988111-G-A. GRCh37 (hg19) VCF-style: chr22-21342400-G-A.
Other names: c.502G>A (NM_006767.3); short protein forms E168K.
Identifiers: ClinVar variation 2911268 (VCV002911268.4), dbSNP rs2518613391, ClinGen allele CA410779943.